The following is an entry in ClinVar:

NM_030667.3(PTPRO):c.1158A>C (p.Ala386=)

Gene: PTPRO (protein tyrosine phosphatase receptor type O; plus strand). Cytogenetic location: 12p12.3.
Variant type: single nucleotide variant.
Coding change: c.1158A>C on transcript NM_030667.3 (MANE Select); coding-DNA position 1158, A replaced by C.
Protein change: p.Ala386=; no amino-acid change (alanine 386 retained).
Molecular consequence: synonymous variant.
Genome position (GRCh38, 1-based): chr12:15,503,960, A>C. VCF-style: chr12-15503960-A-C. GRCh37 (hg19) VCF-style: chr12-15656894-A-C.
Other names: c.1158A>C, p.Ala386= (NM_002848.4).
Identifiers: ClinVar variation 3031660 (VCV003031660.2), dbSNP rs200206218, ClinGen allele CA6466448.

ClinVar aggregate classification (germline): Likely benign (0 of 4 stars; one submission).

Conditions:
PTPRO-related disorder. Also called: PTPRO-related condition.

gnomAD v4.1: 97 of 1,596,134 alleles (0.0061%); highest among the groups gnomAD compares: Non-Finnish European, 0.0049%; no homozygotes.

Submission:

PreventionGenetics, part of Exact Sciences
Classification: Likely benign for PTPRO-related condition. Last evaluated: 2024-02-27. Review status: no assertion criteria provided. Collection method: clinical testing. Allele origin: germline.
Comment: This variant is classified as likely benign based on ACMG/AMP sequence variant interpretation guidelines (Richards et al. 2015 PMID: 25741868, with internal and published modifications).